The following is an entry in ClinVar:

NM_001370259.2(MEN1):c.1299_1317del (p.Val434fs)

Gene: MEN1 (menin 1; minus strand). Cytogenetic location: 11q13.1.
Variant type: Deletion.
Coding change: c.1299_1317del on transcript NM_001370259.2 (MANE Select); coding-DNA positions 1299 to 1317, 19 bases deleted (TGTGGGCTGGGCCACCTTT).
Protein change: p.Val434fs; shifts the reading frame from valine 434.
Molecular consequence: frameshift variant. On other transcripts: non-coding transcript variant (4), intron variant (1).
Genome position (GRCh38, 1-based): chr11:64,805,067-64,805,085, AAAGGTGGCCCAGCCCACA deleted on the plus strand (TGTGGGCTGGGCCACCTTT on the coding strand, the reverse complement: MEN1 is on the minus strand). VCF-style (leftmost placement, unchanged base first): chr11-64805066-GAAAGGTGGCCCAGCCCACA-G. GRCh37 (hg19) VCF-style: chr11-64572538-GAAAGGTGGCCCAGCCCACA-G.
Other names: c.1299_1317del, p.Val434fs (NM_001370260.2, NM_001370261.2, NM_001407146.1 and 2 more transcripts); c.1194_1212del, p.Val399fs (NM_001370262.2, NM_001370263.2, NM_001407148.1 and 1 more transcripts); c.1425_1443del, p.Val476fs (NM_001407142.1, NM_001407143.1, NM_001407144.1 and 1 more transcripts); c.1314_1332del, p.Val439fs (NM_130800.3, NM_130801.3, NM_130802.3 and 4 more transcripts); c.1186-269_1186-251del (NM_001407152.1); c.1440_1458del, p.Val481fs (NM_001407150.1); c.1320_1338del, p.Val441fs (NM_001407151.1); short protein forms V439fs, V476fs, V441fs, V481fs, V399fs, V434fs.
Identifiers: ClinVar variation 3726346 (VCV003726346.2).

ClinVar aggregate classification (germline): Pathogenic (1 of 4 stars; one submission).

Conditions:
Multiple endocrine neoplasia, type 1 (MEN1). Also called: MEN I; WERMER SYNDROME; Endocrine adenomatosis multiple; MEN 1; MEA I. Identifiers: Orphanet 652, MedGen C0025267, MeSH D018761, MONDO:0007540, OMIM 131100.

Submission:

Labcorp Genetics (formerly Invitae), Labcorp
Classification: Pathogenic for Multiple endocrine neoplasia, type 1. Last evaluated: 2025-03-07. Review status: criteria provided, single submitter. Criteria: Invitae Variant Classification Sherloc (09022015). Collection method: clinical testing. Allele origin: germline.
Comment: This sequence change creates a premature translational stop signal (p.Val434Leufs*5) in the MEN1 gene. While this is not anticipated to result in nonsense mediated decay, it is expected to disrupt the last 177 amino acid(s) of the MEN1 protein. This variant is not present in population databases (gnomAD no frequency). This variant has not been reported in the literature in individuals affected with MEN1-related conditions. This variant disrupts a region of the MEN1 protein in which other variant(s) (p.Thr580Argfs*8)) have been determined to be pathogenic (internal data). This suggests that this is a clinically significant region of the protein, and that variants that disrupt it are likely to be disease-causing. For these reasons, this variant has been classified as Pathogenic.